The following is an entry in ClinVar:

NM_021625.5(TRPV4):c.616C>T (p.Arg206Cys)

Gene: TRPV4 (transient receptor potential cation channel subfamily V member 4; minus strand). Cytogenetic location: 12q24.11.
Variant type: single nucleotide variant.
Coding change: c.616C>T on transcript NM_021625.5 (MANE Select); coding-DNA position 616, C replaced by T.
Protein change: p.Arg206Cys; replaces arginine 206 with cysteine.
Molecular consequence: missense variant.
Genome position (GRCh38, 1-based): chr12:109,803,087, G>A on the plus strand (C>T on the coding strand, the complement: TRPV4 is on the minus strand). VCF-style: chr12-109803087-G-A. GRCh37 (hg19) VCF-style: chr12-110240892-G-A.
Other names: c.616C>T, p.Arg206Cys (NM_001177428.2, NM_001177433.2, NM_147204.3); c.514C>T, p.Arg172Cys (NM_001177431.2); short protein forms R206C, R172C.
Identifiers: ClinVar variation 520860 (VCV000520860.9), dbSNP rs200497189, ClinGen allele CA6780495.
Genomic context (GRCh38, chr12:109,803,087, plus strand): 5'-ACTCCCTCATGTTGCCGGTGCGCTCCGCGATGTCCAGCAGCACAGGGATGGTGTCGTTGC[G>A]GCCATTGCTCAGGTTCAGCAAGGCCTTGGGCAGGCAGGTCTTCCCCGTAGATGGCTCTAG-3'
Protein context (NP_067638.3, residues 196-216): PKALLNLSNG[Arg206Cys]NDTIPVLLDI

ClinVar aggregate classification (germline): Conflicting classifications of pathogenicity. Review status: criteria provided, conflicting classifications (1 of 4 stars). 2 submissions from 2 submitters: Uncertain significance (1); Likely benign (1). Last evaluated 2025-10-06.

Conditions:
Inborn genetic diseases. Identifiers: MedGen C0950123, MeSH D030342.
Charcot-Marie-Tooth disease axonal type 2C (HMSN2C). Also called: Charcot-Marie-Tooth Disease Type 2, TRPV4-Related (CMT2C); CHARCOT-MARIE-TOOTH DISEASE, AXONAL, AUTOSOMAL DOMINANT, TYPE 2C; Charcot-Marie-Tooth Neuropathy Type 2C. Identifiers: Orphanet 99937, MedGen C1853710, MONDO:0011633, OMIM 606071.

Allele frequency attached by ClinVar (database versions not stated): gnomAD 0.00002 and 0.00003; TOPMed 0.00002; ExAC 0.00007; gnomAD exomes 0.00007; 1000 Genomes Project 0.00020; 1000 Genomes Project 30x 0.00031.
gnomAD v4.1: 69 of 1,614,142 alleles (0.0043%); highest among the groups gnomAD compares: Admixed American, 0.02%; no homozygotes.

Submissions (2):

Labcorp Genetics (formerly Invitae), Labcorp
Classification: Uncertain significance for Charcot-Marie-Tooth disease axonal type 2C. Last evaluated: 2025-10-06. Review status: criteria provided, single submitter. Criteria: Invitae Variant Classification Sherloc (09022015). Collection method: clinical testing. Allele origin: germline.
Comment: This sequence change replaces arginine, which is basic and polar, with cysteine, which is neutral and slightly polar, at codon 206 of the TRPV4 protein (p.Arg206Cys). This variant is present in population databases (rs200497189, gnomAD 0.02%). This variant has not been reported in the literature in individuals affected with TRPV4-related conditions. ClinVar contains an entry for this variant (Variation ID: 520860). Invitae Evidence Modeling of protein sequence and biophysical properties (such as structural, functional, and spatial information, amino acid conservation, physicochemical variation, residue mobility, and thermodynamic stability) has been performed for this missense variant. However, the output from this modeling did not meet the statistical confidence thresholds required to predict the impact of this variant on TRPV4 protein function. In summary, the available evidence is currently insufficient to determine the role of this variant in disease. Therefore, it has been classified as a Variant of Uncertain Significance.

Ambry Genetics
Classification: Likely benign for Inborn genetic diseases. Last evaluated: 2019-12-27. Review status: criteria provided, single submitter. Criteria: Ambry Variant Classification Scheme 2023. Collection method: clinical testing. Allele origin: germline.